The following is an entry in ClinVar:

ClinVar aggregate classification (germline): Uncertain significance (1 of 4 stars; one submission).

Conditions:
Inborn genetic diseases. Identifiers: MedGen C0950123, MeSH D030342.

Submission:

Ambry Genetics
Classification: Uncertain significance for Inborn genetic diseases. Last evaluated: 2026-08-04. Review status: criteria provided, single submitter. Criteria: Ambry Variant Classification Scheme 2023. Collection method: clinical testing. Allele origin: germline.
Comment: The p.S2G variant (also known as c.4A>G), located in coding exon 1 of the HAX1 gene, results from an A to G substitution at nucleotide position 4. The serine at codon 2 is replaced by glycine, an amino acid with similar properties. This amino acid position is conserved. In addition, the in silico prediction for this alteration is inconclusive. Based on the available evidence, the clinical significance of this variant remains unclear.

NM_006118.4(HAX1):c.4A>G (p.Ser2Gly)

Gene: HAX1 (HCLS1 associated protein X-1; plus strand). Cytogenetic location: 1q21.3.
Variant type: single nucleotide variant.
Coding change: c.4A>G on transcript NM_006118.4 (MANE Select); coding-DNA position 4, A replaced by G.
Protein change: p.Ser2Gly; replaces serine 2 with glycine.
Molecular consequence: missense variant.
Genome position (GRCh38, 1-based): chr1:154,272,727, A>G. VCF-style: chr1-154272727-A-G. GRCh37 (hg19) VCF-style: chr1-154245203-A-G.
Other names: c.4A>G, p.Ser2Gly (NM_001018837.2); short protein forms S2G.
Identifiers: ClinVar variation 5022585 (VCV005022585.1).